The following is an entry in ClinVar:

NM_004629.2(FANCG):c.682G>A (p.Ala228Thr)

Gene: FANCG (FA complementation group G; minus strand). Cytogenetic location: 9p13.3.
Variant type: single nucleotide variant.
Coding change: c.682G>A on transcript NM_004629.2 (MANE Select); coding-DNA position 682, G replaced by A.
Protein change: p.Ala228Thr; replaces alanine 228 with threonine.
Molecular consequence: missense variant.
Genome position (GRCh38, 1-based): chr9:35,077,066, C>T on the plus strand (G>A on the coding strand, the complement: FANCG is on the minus strand). VCF-style: chr9-35077066-C-T. GRCh37 (hg19) VCF-style: chr9-35077063-C-T.
Other names: short protein forms A228T.
Identifiers: ClinVar variation 366736 (VCV000366736.13), dbSNP rs765095688, ClinGen allele CA10627291.

ClinVar aggregate classification (germline): Uncertain significance. Review status: criteria provided, multiple submitters, no conflicts (2 of 4 stars). 2 submissions from 2 submitters: Uncertain significance (2). Last evaluated 2025-12-30.

Conditions:
Fanconi anemia complementation group G. Also called: Fanconi anemia group G; FANCG-Related Fanconi Anemia. Identifiers: Orphanet 84, MedGen C3469527, MONDO:0013565, OMIM 614082.
Fanconi anemia (FA). Also called: Fanconi's anemia. Identifiers: Orphanet 84, MedGen C0015625, MeSH D005199, MONDO:0019391.

Allele frequency attached by ClinVar (database versions not stated): gnomAD exomes below 0.00001 and 0.00003; gnomAD 0.00001; TOPMed 0.00002.

Submissions (2):

Labcorp Genetics (formerly Invitae), Labcorp
Classification: Uncertain significance for Fanconi anemia. Last evaluated: 2025-12-30. Review status: criteria provided, single submitter. Criteria: Invitae Variant Classification Sherloc (09022015). Collection method: clinical testing. Allele origin: germline.
Comment: This sequence change replaces alanine, which is neutral and non-polar, with threonine, which is neutral and polar, at codon 228 of the FANCG protein (p.Ala228Thr). This variant is present in population databases (rs765095688, gnomAD 0.002%). This variant has not been reported in the literature in individuals affected with FANCG-related conditions. ClinVar contains an entry for this variant (Variation ID: 366736). Invitae Evidence Modeling of protein sequence and biophysical properties (such as structural, functional, and spatial information, amino acid conservation, physicochemical variation, residue mobility, and thermodynamic stability) indicates that this missense variant is not expected to disrupt FANCG protein function with a negative predictive value of 80%. In summary, the available evidence is currently insufficient to determine the role of this variant in disease. Therefore, it has been classified as a Variant of Uncertain Significance.

Fulgent Genetics
Classification: Uncertain significance for Fanconi anemia complementation group G. Last evaluated: 2024-05-31. Review status: criteria provided, single submitter. Criteria: ACMG Guidelines, 2015. Collection method: clinical testing. Allele origin: germline.